The following is an entry in ClinVar:

NM_000127.3(EXT1):c.1279C>G (p.Leu427Val)

Gene: EXT1 (exostosin glycosyltransferase 1; minus strand). Cytogenetic location: 8q24.11.
Variant type: single nucleotide variant.
Coding change: c.1279C>G on transcript NM_000127.3 (MANE Select); coding-DNA position 1279, C replaced by G.
Protein change: p.Leu427Val; replaces leucine 427 with valine.
Molecular consequence: missense variant.
Genome position (GRCh38, 1-based): chr8:117,830,235, G>C on the plus strand (C>G on the coding strand, the complement: EXT1 is on the minus strand). VCF-style: chr8-117830235-G-C. GRCh37 (hg19) VCF-style: chr8-118842474-G-C.
Other names: short protein forms L427V.
Identifiers: ClinVar variation 387595 (VCV000387595.11), dbSNP rs773539946, ClinGen allele CA4854193.

ClinVar aggregate classification (germline): Conflicting classifications of pathogenicity. Review status: criteria provided, conflicting classifications (1 of 4 stars). 3 submissions from 3 submitters: Uncertain significance (1); Likely benign (2). Last evaluated 2025-07-23.

Conditions:
Inborn genetic diseases. Identifiers: MedGen C0950123, MeSH D030342.
Multiple congenital exostosis (EXT). Also called: Hereditary multiple osteochondromas; Multiple exostoses; Hereditary multiple exostoses; Hereditary multiple exostosis; MULTIPLE CARTILAGINOUS EXOSTOSES; Multiple osteochondromas. Identifiers: Orphanet 321, MedGen C0015306, MONDO:0005508, HP:0002762.

Allele frequency attached by ClinVar (database versions not stated): ExAC 0.00001; gnomAD 0.00001; TOPMed 0.00001; gnomAD exomes 0.00002.
gnomAD v4.1: 10 of 1,613,870 alleles (0.00062%); highest among the groups gnomAD compares: Admixed American, 0.01%; no homozygotes.

Submissions (3):

Labcorp Genetics (formerly Invitae), Labcorp
Classification: Likely benign for Multiple congenital exostosis. Last evaluated: 2025-07-23. Review status: criteria provided, single submitter. Criteria: Invitae Variant Classification Sherloc (09022015). Collection method: clinical testing. Allele origin: germline.

Ambry Genetics
Classification: Uncertain significance for Inborn genetic diseases. Last evaluated: 2021-06-22. Review status: criteria provided, single submitter. Criteria: Ambry Variant Classification Scheme 2023. Collection method: clinical testing. Allele origin: germline.

GeneDx
Classification: Likely benign. Last evaluated: 2016-07-13. Review status: criteria provided, single submitter. Criteria: GeneDx Variant Classification (06012015). Collection method: clinical testing. Allele origin: germline. Affected: yes.
Comment: This variant is considered likely benign or benign based on one or more of the following criteria: it is a conservative change, it occurs at a poorly conserved position in the protein, it is predicted to be benign by multiple in silico algorithms, and/or has population frequency not consistent with disease.